The following is an entry in ClinVar:

NM_000218.3(KCNQ1):c.1515-7_1515-6insGC

Gene: KCNQ1 (potassium voltage-gated channel subfamily Q member 1; plus strand). Cytogenetic location: 11p15.5.
Variant type: Insertion.
Coding change: c.1515-7_1515-6insGC on transcript NM_000218.3 (MANE Select); 7 bases into the intron before coding-DNA position 1515 through 6 bases into the intron before coding-DNA position 1515, GC inserted.
Molecular consequence: intron variant.
Genome position: GRCh38 VCF-style: chr11-2768837-A-AGC. GRCh37 (hg19) VCF-style: chr11-2790067-A-AGC.
Other names: c.1245-7_1245-6insGC (NM_001406837.1); c.1419-7_1419-6insGC (NM_001406836.1); c.975-7_975-6insGC (NM_001406838.1); c.1134-7_1134-6insGC (NM_181798.2).
Identifiers: ClinVar variation 237223 (VCV000237223.8), dbSNP rs1554919460, ClinGen allele CA10582885.

ClinVar aggregate classification (germline): Uncertain significance (1 of 4 stars; one submission).

Conditions:
Long QT syndrome (LQTS). Identifiers: MedGen C0023976, MeSH D008133, MONDO:0002442. Disease mechanism: loss of function. Inheritance: Various modes of inheritance.

Submission:

Labcorp Genetics (formerly Invitae), Labcorp
Classification: Uncertain significance for Long QT syndrome. Last evaluated: 2025-06-08. Review status: criteria provided, single submitter. Criteria: Invitae Variant Classification Sherloc (09022015). Collection method: clinical testing. Allele origin: germline.
Comment: This sequence change falls in intron 11 of the KCNQ1 gene. It does not directly change the encoded amino acid sequence of the KCNQ1 protein. This variant is not present in population databases (gnomAD no frequency). This variant has not been reported in the literature in individuals affected with KCNQ1-related conditions. ClinVar contains an entry for this variant (Variation ID: 237223). Algorithms developed to predict the effect of sequence changes on RNA splicing suggest that this variant may disrupt the consensus splice site. In summary, the available evidence is currently insufficient to determine the role of this variant in disease. Therefore, it has been classified as a Variant of Uncertain Significance.